The following is an entry in ClinVar:

NM_153460.4(IL17RC):c.1669C>G (p.Gln557Glu)

Gene: IL17RC (interleukin 17 receptor C; plus strand). Cytogenetic location: 3p25.3.
Variant type: single nucleotide variant.
Coding change: c.1669C>G on transcript NM_153460.4 (MANE Select); coding-DNA position 1669, C replaced by G.
Protein change: p.Gln557Glu; replaces glutamine 557 with glutamic acid.
Molecular consequence: missense variant. On other transcripts: non-coding transcript variant (1).
Genome position (GRCh38, 1-based): chr3:9,933,099, C>G. VCF-style: chr3-9933099-C-G. GRCh37 (hg19) VCF-style: chr3-9974783-C-G.
Other names: c.1882C>G, p.Gln628Glu (NM_153461.4); c.1630C>G, p.Gln544Glu (NM_001203263.2); c.1579C>G, p.Gln527Glu (NM_001203264.2); c.1573C>G, p.Gln525Glu (NM_001203265.2); c.1591C>G, p.Gln531Glu (NM_001367278.1); c.1510C>G, p.Gln504Glu (NM_001367279.1); c.1585C>G, p.Gln529Glu (NM_001367280.1); c.1624C>G, p.Gln542Glu (NM_032732.6); short protein forms Q527E, Q529E, Q557E, Q628E, Q544E, Q504E, Q531E, Q542E.
Identifiers: ClinVar variation 643138 (VCV000643138.5), dbSNP rs748278550, ClinGen allele CA2247380.
Genomic context (GRCh38, chr3:9,933,099, plus strand): 5'-CTGTGCCAGCTGCCGCTGCGCGTGGCCGTAGACCTGTGGAGCCGTCGTGAACTGAGCGCG[C>G]AGGGGCCCGTGGCTTGGTTTCACGCGCAGCGGCGCCAGACCCTGCAGGAGGGCGGCGTGG-3'
Protein context (NP_703190.2, residues 547-567): DLWSRRELSA[Gln557Glu]GPVAWFHAQR

ClinVar aggregate classification (germline): Uncertain significance (1 of 4 stars; one submission).

Conditions:
Candidiasis, familial, 9 (CANDF9). Identifiers: Orphanet 1334, MedGen C4225324, MONDO:0014642, OMIM 616445.

Allele frequency attached by ClinVar (database versions not stated): ExAC 0.00001; gnomAD exomes 0.00001.
gnomAD v4.1: 3 of 1,573,096 alleles (0.00019%); highest among the groups gnomAD compares: Non-Finnish European, 0.00026%; no homozygotes.

Submission:

Labcorp Genetics (formerly Invitae), Labcorp
Classification: Uncertain significance for Candidiasis, familial, 9. Last evaluated: 2022-02-05. Review status: criteria provided, single submitter. Criteria: Invitae Variant Classification Sherloc (09022015). Collection method: clinical testing. Allele origin: germline.
Comment: This variant has not been reported in the literature in individuals affected with IL17RC-related conditions. In summary, the available evidence is currently insufficient to determine the role of this variant in disease. Therefore, it has been classified as a Variant of Uncertain Significance. Algorithms developed to predict the effect of missense changes on protein structure and function are either unavailable or do not agree on the potential impact of this missense change (SIFT: "Tolerated"; PolyPhen-2: "Possibly Damaging"; Align-GVGD: "Class C0"). ClinVar contains an entry for this variant (Variation ID: 643138). This variant is present in population databases (rs748278550, gnomAD 0.001%). This sequence change replaces glutamine, which is neutral and polar, with glutamic acid, which is acidic and polar, at codon 628 of the IL17RC protein (p.Gln628Glu).